The following is an entry in ClinVar:

ClinVar aggregate classification (germline): Uncertain significance (1 of 4 stars; one submission).

Submission:

Ambry Genetics
Classification: Uncertain significance. Last evaluated: 2024-11-06. Review status: criteria provided, single submitter. Criteria: Ambry Variant Classification Scheme 2023. Collection method: clinical testing. Allele origin: germline.
Comment: The p.G523A variant (also known as c.1568G>C), located in coding exon 12 of the RECQL gene, results from a G to C substitution at nucleotide position 1568. The glycine at codon 523 is replaced by alanine, an amino acid with similar properties. This amino acid position is conserved. In addition, the in silico prediction for this alteration is inconclusive. Based on the available evidence, the clinical significance of this variant remains unclear.

NM_002907.4(RECQL):c.1568G>C (p.Gly523Ala)

Gene: RECQL (RecQ like helicase; minus strand). Cytogenetic location: 12p12.1.
Variant type: single nucleotide variant.
Coding change: c.1568G>C on transcript NM_002907.4 (MANE Select); coding-DNA position 1568, G replaced by C.
Protein change: p.Gly523Ala; replaces glycine 523 with alanine.
Molecular consequence: missense variant.
Genome position (GRCh38, 1-based): chr12:21,471,527, C>G on the plus strand (G>C on the coding strand, the complement: RECQL is on the minus strand). VCF-style: chr12-21471527-C-G. GRCh37 (hg19) VCF-style: chr12-21624461-C-G.
Other names: c.1568G>C, p.Gly523Ala (NM_032941.3); short protein forms G523A.
Identifiers: ClinVar variation 3431818 (VCV003431818.1).
Genomic context (GRCh38, chr12:21,471,527, plus strand): 5'-TCCAGATCTTCACGAGGAAGTGTGGGAGCCACAACACCTGCTACTCTCAGTTTTGCTGCA[C>G]CCTTTCCCATCCAAGAATCAATCAGTTTCAATGGAGTGAGTTTTTCATTCAGTTCCTCTG-3'
Protein context (NP_002898.2, residues 513-533): LKLIDSWMGK[Gly523Ala]AAKLRVAGVV